The following is an entry in ClinVar:

ClinVar aggregate classification (germline): Uncertain significance. Review status: criteria provided, multiple submitters, no conflicts (2 of 4 stars). 2 submissions from 2 submitters: Uncertain significance (2). Last evaluated 2024-09-25.

Conditions:
Hereditary cancer-predisposing syndrome. Also called: Tumor predisposition; Hereditary Cancer Syndrome; Neoplastic Syndromes, Hereditary; Hereditary neoplastic syndrome. Identifiers: Orphanet 140162, MedGen C0027672, MeSH D009386, MONDO:0015356.
Multiple endocrine neoplasia, type 2 (MEN2). Identifiers: Orphanet 653, MedGen C4048306, MONDO:0019003. Disease mechanism: gain of function.

Allele frequency attached by ClinVar (database versions not stated): TOPMed 0.00001.

Submissions (2):

Labcorp Genetics (formerly Invitae), Labcorp
Classification: Uncertain significance for Multiple endocrine neoplasia, type 2. Last evaluated: 2024-09-25. Review status: criteria provided, single submitter. Criteria: Invitae Variant Classification Sherloc (09022015). Collection method: clinical testing. Allele origin: germline.
Comment: This sequence change replaces threonine, which is neutral and polar, with arginine, which is basic and polar, at codon 1078 of the RET protein (p.Thr1078Arg). This variant is not present in population databases (gnomAD no frequency). This variant has not been reported in the literature in individuals affected with RET-related conditions. ClinVar contains an entry for this variant (Variation ID: 823248). An algorithm developed to predict the effect of missense changes on protein structure and function (PolyPhen-2) suggests that this variant is likely to be disruptive. In summary, the available evidence is currently insufficient to determine the role of this variant in disease. Therefore, it has been classified as a Variant of Uncertain Significance.

Ambry Genetics
Classification: Uncertain significance for Hereditary cancer-predisposing syndrome. Last evaluated: 2019-01-08. Review status: criteria provided, single submitter. Criteria: Ambry Variant Classification Scheme 2023. Collection method: clinical testing. Allele origin: germline.
Comment: The p.T1078R variant (also known as c.3233C>G), located in coding exon 20 of the RET gene, results from a C to G substitution at nucleotide position 3233. The threonine at codon 1078 is replaced by arginine, an amino acid with similar properties. This amino acid position is not well conserved in available vertebrate species. In addition, the in silico prediction for this alteration is inconclusive. Since supporting evidence is limited at this time, the clinical significance of this alteration remains unclear.

NM_020975.6(RET):c.3233C>G (p.Thr1078Arg)

Gene: RET (ret proto-oncogene; plus strand). Cytogenetic location: 10q11.21.
Variant type: single nucleotide variant.
Coding change: c.3233C>G on transcript NM_020975.6 (MANE Select); coding-DNA position 3233, C replaced by G.
Protein change: p.Thr1078Arg; replaces threonine 1078 with arginine.
Molecular consequence: missense variant.
Genome position (GRCh38, 1-based): chr10:43,128,157, C>G. VCF-style: chr10-43128157-C-G. GRCh37 (hg19) VCF-style: chr10-43623605-C-G.
Other names: short protein forms T1078R.
Identifiers: ClinVar variation 823248 (VCV000823248.9), dbSNP rs762952212, ClinGen allele CA206268156.
Genomic context (GRCh38, chr10:43,128,157, plus strand): 5'-TGTTTTCATTTTTAGGCATGTCAGACCCGAACTGGCCTGGAGAGAGTCCTGTACCACTCA[C>G]GAGAGCTGATGGCACTAACACTGGGTTTCCAAGATATCCAAATGATAGTGTATATGCTAA-3'
Protein context (NP_066124.1, residues 1068-1088): NWPGESPVPL[Thr1078Arg]RADGTNTGFP